The following is an entry in ClinVar:

ClinVar aggregate classification (germline): Uncertain significance. Review status: criteria provided, multiple submitters, no conflicts (2 of 4 stars). 2 submissions from 2 submitters: Uncertain significance (2). Last evaluated 2024-06-07.

Conditions:
Inborn genetic diseases. Identifiers: MedGen C0950123, MeSH D030342.
F8-related disorder. Also called: F8-related condition.

Allele frequency attached by ClinVar (database versions not stated): gnomAD exomes 0.00001; TOPMed 0.00001.
gnomAD v4.1: 12 of 1,210,075 alleles (0.00099%); highest among the groups gnomAD compares: Non-Finnish European, 0.0011%; no homozygotes.

Submissions (2):

Ambry Genetics
Classification: Uncertain significance for Inborn genetic diseases. Last evaluated: 2024-06-07. Review status: criteria provided, single submitter. Criteria: Ambry Variant Classification Scheme 2023. Collection method: clinical testing. Allele origin: germline.

PreventionGenetics, part of Exact Sciences
Classification: Uncertain significance for F8-related condition. Last evaluated: 2023-08-25. Review status: criteria provided, single submitter. Criteria: ACMG Guidelines, 2015. Collection method: clinical testing. Allele origin: germline.
Comment: The F8 c.3145C>A variant is predicted to result in the amino acid substitution p.Gln1049Lys. To our knowledge, this variant has not been reported in the literature or in a large population database, indicating this variant is rare. At this time, the clinical significance of this variant is uncertain due to the absence of conclusive functional and genetic evidence.

NM_000132.4(F8):c.3145C>A (p.Gln1049Lys)

Gene: F8 (coagulation factor VIII; minus strand). Cytogenetic location: Xq28.
Variant type: single nucleotide variant.
Coding change: c.3145C>A on transcript NM_000132.4 (MANE Select); coding-DNA position 3145, C replaced by A.
Protein change: p.Gln1049Lys; replaces glutamine 1049 with lysine.
Molecular consequence: missense variant.
Genome position (GRCh38, 1-based): chrX:154,930,645, G>T on the plus strand (C>A on the coding strand, the complement: F8 is on the minus strand). VCF-style: chrX-154930645-G-T. GRCh37 (hg19) VCF-style: chrX-154158920-G-T.
Other names: short protein forms Q1049K.
Identifiers: ClinVar variation 2634702 (VCV002634702.2), dbSNP rs979649827, ClinGen allele CA337325255.